The following is an entry in ClinVar:

NM_172250.3(MMAA):c.820-2A>G

Gene: MMAA (metabolism of cobalamin associated A; plus strand). Cytogenetic location: 4q31.21.
Variant type: single nucleotide variant.
Coding change: c.820-2A>G on transcript NM_172250.3 (MANE Select); the canonical splice acceptor site of the intron before coding-DNA position 820, A replaced by G.
Molecular consequence: splice acceptor variant.
Genome position (GRCh38, 1-based): chr4:145,653,992, A>G. VCF-style: chr4-145653992-A-G. GRCh37 (hg19) VCF-style: chr4-146575144-A-G.
Other names: c.820-2A>G (NM_001375644.1, NM_172250.2).
Identifiers: ClinVar variation 1929361 (VCV001929361.6), dbSNP rs1728162402, ClinGen allele CA358342223.

ClinVar aggregate classification (germline): Likely pathogenic. Review status: criteria provided, multiple submitters, no conflicts (2 of 4 stars). 2 submissions from 2 submitters: Likely pathogenic (2). Last evaluated 2025-08-19.

Conditions:
Methylmalonic aciduria, cblA type (MACA). Also called: Methylmalonic aciduria, vitamin b12-responsive, due to defect in synthesis of adenosylcobalamin, cbla complementation type; MMA cbl A type; Methylmalonic acidemia cblA type; Methylmalonic aciduria, vitamin B12-responsive; Vitamin B12-responsive methylmalonic acidemia type cblA. Identifiers: Orphanet 28, Orphanet 79310, MedGen C1855109, MONDO:0009613, OMIM 251100.

gnomAD v4.1: 1 of 1,614,036 alleles (0.000062%); highest among the groups gnomAD compares: East Asian, 0.0022%; no homozygotes.

Submissions (2):

Natera, Inc.
Classification: Likely pathogenic for Methylmalonic aciduria cblA type. Last evaluated: 2025-08-19. Review status: criteria provided, single submitter. Criteria: Natera Variant Classification Schema (03/2026). Collection method: clinical testing. Allele origin: germline.
Comment: The c.820-2A>G variant in MMAA is a canonical splice acceptor site variant predicted to affect pre-mRNA splicing, which may result in an abnormal transcript and altered protein product. This variant is expected to result in nonsense mediated decay, truncation, or a dysfunctional protein product. This variant is rare in the general population with a frequency below the threshold expected for the associated phenotype(s). Given the available evidence, this variant is classified as Likely Pathogenic.

Labcorp Genetics (formerly Invitae), Labcorp
Classification: Likely pathogenic for Methylmalonic aciduria, cblA type. Last evaluated: 2022-01-12. Review status: criteria provided, single submitter. Criteria: Invitae Variant Classification Sherloc (09022015). Collection method: clinical testing. Allele origin: germline.
Comment: In summary, the currently available evidence indicates that the variant is pathogenic, but additional data are needed to prove that conclusively. Therefore, this variant has been classified as Likely Pathogenic. This sequence change affects an acceptor splice site in intron 5 of the MMAA gene. It is expected to disrupt RNA splicing. Variants that disrupt the donor or acceptor splice site typically lead to a loss of protein function (PMID: 16199547), and loss-of-function variants in MMAA are known to be pathogenic (PMID: 15523652, 15781192). This variant is not present in population databases (gnomAD no frequency). This variant has not been reported in the literature in individuals affected with MMAA-related conditions. Algorithms developed to predict the effect of sequence changes on RNA splicing suggest that this variant may disrupt the consensus splice site.

Literature cited by the submitters: PubMed 16199547 (cited by Labcorp Genetics (formerly Invitae), Labcorp); PubMed 15523652 (cited by Labcorp Genetics (formerly Invitae), Labcorp); PubMed 15781192 (cited by Labcorp Genetics (formerly Invitae), Labcorp).